The following is an entry in ClinVar:

NM_001369.3(DNAH5):c.11725C>T (p.Arg3909Ter)

Gene: DNAH5 (dynein axonemal heavy chain 5; minus strand). Cytogenetic location: 5p15.2.
Variant type: single nucleotide variant.
Coding change: c.11725C>T on transcript NM_001369.3 (MANE Select); coding-DNA position 11725, C replaced by T.
Protein change: p.Arg3909Ter; replaces arginine 3909 with a stop codon.
Molecular consequence: nonsense.
Genome position (GRCh38, 1-based): chr5:13,735,167, G>A on the plus strand (C>T on the coding strand, the complement: DNAH5 is on the minus strand). VCF-style: chr5-13735167-G-A. GRCh37 (hg19) VCF-style: chr5-13735276-G-A.
Other names: short protein forms R3909*.
Identifiers: ClinVar variation 407242 (VCV000407242.14), dbSNP rs1060501464, ClinGen allele CA16611798.
Genomic context (GRCh38, chr5:13,735,167, plus strand): 5'-TATAGTCTCTATTCTTATATTGACCTTTAATAAGAGTGAGAAACTCTTCATGCTTGACTC[G>A]GTTCCTCTGGATGTCAATCTTTAGGGTAAGCAACAAGGTGAACAGGAATTTGTGCTCCTC-3'

ClinVar aggregate classification (germline): Pathogenic/Likely pathogenic. Review status: criteria provided, multiple submitters, no conflicts (2 of 4 stars). 4 submissions from 4 submitters: Pathogenic (2); Likely pathogenic (1). 1 of the submissions does not count toward it. Last evaluated 2025-01-23.

Conditions:
DNAH5-related disorders.
Primary ciliary dyskinesia. Also called: Ciliary dyskinesia. Identifiers: Orphanet 244, MedGen C0008780, MONDO:0016575, HP:0012265.
Primary ciliary dyskinesia 3. Identifiers: Orphanet 244, MedGen C1837618, MONDO:0012085, OMIM 608644.
Heterotaxy. Also called: Situs ambiguus; Laterality sequence. Identifiers: Orphanet 157769, MedGen C0266642, HP:0030853.

Allele frequency attached by ClinVar (database versions not stated): gnomAD exomes below 0.00001; TOPMed 0.00001.
gnomAD v4.1: 6 of 1,613,928 alleles (0.00037%); highest among the groups gnomAD compares: African/African-American, 0.0013%; no homozygotes.

Submissions (4):

Labcorp Genetics (formerly Invitae), Labcorp
Classification: Pathogenic for Primary ciliary dyskinesia. Last evaluated: 2025-01-23. Review status: criteria provided, single submitter. Criteria: Invitae Variant Classification Sherloc (09022015). Collection method: clinical testing. Allele origin: germline.
Comment: This sequence change creates a premature translational stop signal (p.Arg3909*) in the DNAH5 gene. It is expected to result in an absent or disrupted protein product. Loss-of-function variants in DNAH5 are known to be pathogenic (PMID: 11788826, 16627867). The frequency data for this variant in the population databases is considered unreliable, as metrics indicate poor data quality at this position in the gnomAD database. This variant has not been reported in the literature in individuals affected with DNAH5-related conditions. ClinVar contains an entry for this variant (Variation ID: 407242). Algorithms developed to predict the effect of sequence changes on RNA splicing suggest that this variant may disrupt the consensus splice site. For these reasons, this variant has been classified as Pathogenic.

Blueprint Genetics
Classification: Likely pathogenic for DNAH5-related disorders. Last evaluated: 2024-05-24. Review status: criteria provided, single submitter. Criteria: ACMG Guidelines, 2015. Collection method: clinical testing. Allele origin: germline. Affected: yes. Observed: 2 variant alleles.

Fulgent Genetics
Classification: Pathogenic for Primary ciliary dyskinesia 3. Last evaluated: 2018-10-31. Review status: criteria provided, single submitter. Criteria: ACMG Guidelines, 2015. Collection method: clinical testing. Allele origin: unknown.

Pediatric Genetics Clinic, Sheba Medical Center
Classification: Pathogenic for Heterotaxy. Last evaluated: 2021-04-24. Review status: no assertion criteria provided. Collection method: research. Allele origin: inherited. Affected: yes. Observed: 1 variant allele. Not counted in ClinVar's aggregate classification.

Literature cited by the submitters: PubMed 11788826 (cited by Labcorp Genetics (formerly Invitae), Labcorp); PubMed 16627867 (cited by Labcorp Genetics (formerly Invitae), Labcorp).